The following is an entry in ClinVar:

NM_003640.5(ELP1):c.1461-13A>G

Gene: ELP1 (elongator acetyltransferase complex subunit 1; minus strand). Cytogenetic location: 9q31.3.
Variant type: single nucleotide variant.
Coding change: c.1461-13A>G on transcript NM_003640.5 (MANE Select); 13 bases into the intron before coding-DNA position 1461, A replaced by G.
Molecular consequence: intron variant.
Genome position (GRCh38, 1-based): chr9:108,906,498, T>C on the plus strand (A>G on the coding strand, the complement: ELP1 is on the minus strand). VCF-style: chr9-108906498-T-C. GRCh37 (hg19) VCF-style: chr9-111668778-T-C.
Other names: c.1119-13A>G (NM_001318360.2); c.414-13A>G (NM_001330749.2).
Identifiers: ClinVar variation 1928336 (VCV001928336.3), dbSNP rs767718313, ClinGen allele CA5175000.

ClinVar aggregate classification (germline): Uncertain significance. Review status: criteria provided, multiple submitters, no conflicts (2 of 4 stars). 2 submissions from 2 submitters: Uncertain significance (2). Last evaluated 2024-04-03.

Conditions:
Medulloblastoma (MDB). Also called: Medulloblastoma, somatic; MEDULLOBLASTOMA PREDISPOSITION SYNDROME. Identifiers: Orphanet 616, MedGen C0025149, MeSH D008527, MONDO:0007959, OMIM 155255, HP:0002885.
Familial dysautonomia. Also called: HSAN III; FD. Identifiers: Orphanet 1764, MedGen C0013364, MONDO:0009131, OMIM 223900. Disease mechanism: loss of function.

Allele frequency attached by ClinVar (database versions not stated): TOPMed below 0.00001; ExAC 0.00001; gnomAD exomes 0.00001; gnomAD 0.00003.
gnomAD v4.1: 22 of 1,608,108 alleles (0.0014%); highest among the groups gnomAD compares: South Asian, 0.0022%; no homozygotes.

Submissions (2):

Fulgent Genetics
Classification: Uncertain significance for Medulloblastoma; Familial dysautonomia. Last evaluated: 2024-04-03. Review status: criteria provided, single submitter. Criteria: ACMG Guidelines, 2015. Collection method: clinical testing. Allele origin: germline.

Labcorp Genetics (formerly Invitae), Labcorp
Classification: Uncertain significance. Last evaluated: 2021-12-17. Review status: criteria provided, single submitter. Criteria: Invitae Variant Classification Sherloc (09022015). Collection method: clinical testing. Allele origin: germline.
Comment: This sequence change falls in intron 13 of the ELP1 gene. It does not directly change the encoded amino acid sequence of the ELP1 protein. This variant is present in population databases (rs767718313, gnomAD 0.005%). This variant has not been reported in the literature in individuals affected with ELP1-related conditions. Algorithms developed to predict the effect of sequence changes on RNA splicing suggest that this variant may create or strengthen a splice site. In summary, the available evidence is currently insufficient to determine the role of this variant in disease. Therefore, it has been classified as a Variant of Uncertain Significance.